The following is an entry in ClinVar:

ClinVar aggregate classification (germline): Conflicting classifications of pathogenicity. Review status: criteria provided, conflicting classifications (1 of 4 stars). 2 submissions from 2 submitters: Uncertain significance (1); Likely benign (1). Last evaluated 2026-08-07.

Conditions:
Hereditary cancer-predisposing syndrome. Also called: Hereditary Cancer Syndrome; Hereditary neoplastic syndrome; Neoplastic Syndromes, Hereditary; Tumor predisposition. Identifiers: Orphanet 140162, MedGen C0027672, MeSH D009386, MONDO:0015356.
Multiple endocrine neoplasia, type 2 (MEN2). Identifiers: Orphanet 653, MedGen C4048306, MONDO:0019003. Disease mechanism: gain of function.

Submissions (2):

Ambry Genetics
Classification: Likely benign for Hereditary cancer-predisposing syndrome. Last evaluated: 2026-08-07. Review status: criteria provided, single submitter. Criteria: Ambry Variant Classification Scheme 2023. Collection method: clinical testing. Allele origin: germline.

Labcorp Genetics (formerly Invitae), Labcorp
Classification: Uncertain significance for Multiple endocrine neoplasia, type 2. Last evaluated: 2025-08-11. Review status: criteria provided, single submitter. Criteria: Invitae Variant Classification Sherloc (09022015). Collection method: clinical testing. Allele origin: germline.
Comment: This sequence change replaces serine, which is neutral and polar, with asparagine, which is neutral and polar, at codon 345 of the RET protein (p.Ser345Asn). This variant is not present in population databases (gnomAD no frequency). This variant has not been reported in the literature in individuals affected with RET-related conditions. ClinVar contains an entry for this variant (Variation ID: 1772123). An algorithm developed to predict the effect of missense changes on protein structure and function outputs the following: PolyPhen-2: "Benign". The asparagine amino acid residue is found in multiple mammalian species, which suggests that this missense change does not adversely affect protein function. In summary, the available evidence is currently insufficient to determine the role of this variant in disease. Therefore, it has been classified as a Variant of Uncertain Significance.

NM_020975.6(RET):c.1034G>A (p.Ser345Asn)

Gene: RET (ret proto-oncogene; plus strand). Cytogenetic location: 10q11.21.
Variant type: single nucleotide variant.
Coding change: c.1034G>A on transcript NM_020975.6 (MANE Select); coding-DNA position 1034, G replaced by A.
Protein change: p.Ser345Asn; replaces serine 345 with asparagine.
Molecular consequence: missense variant.
Genome position (GRCh38, 1-based): chr10:43,106,542, G>A. VCF-style: chr10-43106542-G-A. GRCh37 (hg19) VCF-style: chr10-43601990-G-A.
Other names: c.1034G>A, p.Ser345Asn (NM_000323.2, NM_001406743.1, NM_001406744.1 and 6 more transcripts); c.272G>A, p.Ser91Asn (NM_001355216.2); c.905G>A, p.Ser302Asn (NM_001406761.1, NM_001406762.1, NM_001406764.1 and 1 more transcripts); c.746G>A, p.Ser249Asn (NM_001406766.1, NM_001406767.1, NM_001406770.1); short protein forms S91N, S302N, S249N, S345N.
Identifiers: ClinVar variation 1772123 (VCV001772123.6), dbSNP rs2132721725, ClinGen allele CA376546443.
Genomic context (GRCh38, chr10:43,106,542, plus strand): 5'-CCCAGCAGACCTTCCGGGTGGAACACTGGCCCAACGAGACCTCGGTCCAGGCCAACGGCA[G>A]CTTCGTGCGGGCGACCGTACATGACTATAGTAAGAGGGGCTGGTGGCACGGCCTGGCTAG-3'
Protein context (NP_066124.1, residues 335-355): PNETSVQANG[Ser345Asn]FVRATVHDYR